The following is an entry in ClinVar:

ClinVar aggregate classification (germline): Conflicting classifications of pathogenicity. Review status: criteria provided, conflicting classifications (1 of 4 stars). 2 submissions from 2 submitters: Uncertain significance (1); Likely benign (1). Last evaluated 2025-12-17.

Conditions:
Hereditary cancer-predisposing syndrome. Also called: Tumor predisposition; Hereditary neoplastic syndrome; Neoplastic Syndromes, Hereditary; Hereditary Cancer Syndrome. Identifiers: Orphanet 140162, MedGen C0027672, MeSH D009386, MONDO:0015356.
Ataxia-telangiectasia syndrome (AT). Also called: Ataxia-telangiectasia, complementation group D; AT, COMPLEMENTATION GROUP C; ATAXIA-TELANGIECTASIA, COMPLEMENTATION GROUP A; ATAXIA-TELANGIECTASIA, FRESNO VARIANT; Ataxia-telangiectasia; LOUIS-BAR SYNDROME. Identifiers: Orphanet 100, MedGen C0004135, MONDO:0008840, OMIM 208900.

Submissions (2):

Labcorp Genetics (formerly Invitae), Labcorp
Classification: Likely benign for Ataxia-telangiectasia syndrome. Last evaluated: 2025-12-17. Review status: criteria provided, single submitter. Criteria: Invitae Variant Classification Sherloc (09022015). Collection method: clinical testing. Allele origin: germline.

Color Diagnostics, LLC DBA Color Health
Classification: Uncertain significance for Hereditary cancer-predisposing syndrome. Last evaluated: 2024-11-18. Review status: criteria provided, single submitter. Criteria: ACMG Guidelines, 2015. Collection method: clinical testing. Allele origin: germline.
Comment: This variant causes a T to A nucleotide substitution at the -14 position of intron 44/62 of the ATM gene. To our knowledge, RNA studies have not been reported for this variant. This variant has not been reported in individuals affected with ATM-related disorders in the literature. This variant has not been identified in the general population by the Genome Aggregation Database (gnomAD). The available evidence is insufficient to determine the role of this variant in disease conclusively. Therefore, this variant is classified as a Variant of Uncertain Significance.

NM_000051.4(ATM):c.6453-14T>A

Genes: ATM (ATM serine/threonine kinase; plus strand), C11orf65 (chromosome 11 open reading frame 65; minus strand). Cytogenetic location: 11q22.3.
Variant type: single nucleotide variant.
Coding change: c.6453-14T>A on transcript NM_000051.4 (MANE Select); 14 bases into the intron before coding-DNA position 6453, T replaced by A.
Molecular consequence: intron variant.
Genome position (GRCh38, 1-based): chr11:108,321,287, T>A. VCF-style: chr11-108321287-T-A. GRCh37 (hg19) VCF-style: chr11-108192014-T-A.
Other names: c.641-12216A>T (NM_001330368.2); c.*39-12216A>T (NM_001351110.2); c.6453-14T>A (NM_001351834.2).
Identifiers: ClinVar variation 627663 (VCV000627663.12), dbSNP rs1380071831, ClinGen allele CA913188411.
Genomic context (GRCh38, chr11:108,321,287, plus strand): 5'-CAACAAATTTAAACATTTATTTCCCTGAAAACCTCTTCTTTATTTTCAGAGTGTCTTTTC[T>A]TTTTTGCTACTAGAGTAAAAGAAGTGGAAGAGATGTGTAAGCGCAGCCTTGAGTCTGTGT-3'